The following is an entry in ClinVar:

NM_001010867.4(IBA57):c.172C>T (p.Leu58=)

Gene: IBA57 (iron-sulfur cluster assembly factor IBA57; plus strand). Cytogenetic location: 1q42.13.
Variant type: single nucleotide variant.
Coding change: c.172C>T on transcript NM_001010867.4 (MANE Select); coding-DNA position 172, C replaced by T.
Protein change: p.Leu58=; no amino-acid change (leucine 58 retained).
Molecular consequence: synonymous variant.
Genome position (GRCh38, 1-based): chr1:228,165,988, C>T. VCF-style: chr1-228165988-C-T. GRCh37 (hg19) VCF-style: chr1-228353689-C-T.
Identifiers: ClinVar variation 3753065 (VCV003753065.6).

ClinVar aggregate classification (germline): Likely benign. Review status: criteria provided, multiple submitters, no conflicts (2 of 4 stars). 2 submissions from 2 submitters: Likely benign (2). Last evaluated 2026-03-01.

Conditions:
Hereditary spastic paraplegia 74. Also called: Spastic paraplegia 74, autosomal recessive. Identifiers: Orphanet 468661, MedGen C5568837, MONDO:0014644, OMIM 616451.
Multiple mitochondrial dysfunctions syndrome 3 (MMDS3). Identifiers: Orphanet 363424, MedGen C3809165, MONDO:0014132, OMIM 615330.

Submissions (2):

CeGaT Center for Human Genetics Tuebingen
Classification: Likely benign. Last evaluated: 2026-03-01. Review status: criteria provided, single submitter. Criteria: CeGaT Center For Human Genetics Tuebingen Variant Classification Criteria Version 2. Collection method: clinical testing. Allele origin: germline. Affected: yes. Observed: 1 variant allele.
Comment: IBA57: BP4, BP7

Labcorp Genetics (formerly Invitae), Labcorp
Classification: Likely benign for Multiple mitochondrial dysfunctions syndrome 3; Hereditary spastic paraplegia 74. Last evaluated: 2025-10-03. Review status: criteria provided, single submitter. Criteria: Invitae Variant Classification Sherloc (09022015). Collection method: clinical testing. Allele origin: germline.